The following is an entry in ClinVar:

NM_020964.3(EPG5):c.1830G>A (p.Met610Ile)

Gene: EPG5 (ectopic P-granules 5 autophagy tethering factor; minus strand). Cytogenetic location: 18q21.1.
Variant type: single nucleotide variant.
Coding change: c.1830G>A on transcript NM_020964.3 (MANE Select); coding-DNA position 1830, G replaced by A.
Protein change: p.Met610Ile; replaces methionine 610 with isoleucine.
Molecular consequence: missense variant.
Genome position (GRCh38, 1-based): chr18:45,943,274, C>T on the plus strand (G>A on the coding strand, the complement: EPG5 is on the minus strand). VCF-style: chr18-45943274-C-T. GRCh37 (hg19) VCF-style: chr18-43523240-C-T.
Other names: short protein forms M610I.
Identifiers: ClinVar variation 837275 (VCV000837275.7), dbSNP rs200214318, ClinGen allele CA8949593.

ClinVar aggregate classification (germline): Uncertain significance. Review status: criteria provided, multiple submitters, no conflicts (2 of 4 stars). 2 submissions from 2 submitters: Uncertain significance (2). Last evaluated 2025-05-01.

Conditions:
Inborn genetic diseases. Identifiers: MedGen C0950123, MeSH D030342.
Vici syndrome (VICIS). Identifiers: Orphanet 1493, MedGen C1855772, MONDO:0009452, OMIM 242840.

Allele frequency attached by ClinVar (database versions not stated): TOPMed 0.00014; ESP Exome Variant Server 0.00034; gnomAD 0.00010 and 0.00012.
gnomAD v4.1: 230 of 1,613,988 alleles (0.014%); highest among the groups gnomAD compares: Admixed American, 0.028%; 1 homozygote.

Submissions (2):

Ambry Genetics
Classification: Uncertain significance for Inborn genetic diseases. Last evaluated: 2025-05-01. Review status: criteria provided, single submitter. Criteria: Ambry Variant Classification Scheme 2023. Collection method: clinical testing. Allele origin: germline.

Labcorp Genetics (formerly Invitae), Labcorp
Classification: Uncertain significance for Vici syndrome. Last evaluated: 2022-09-21. Review status: criteria provided, single submitter. Criteria: Invitae Variant Classification Sherloc (09022015). Collection method: clinical testing. Allele origin: germline.
Comment: This sequence change replaces methionine, which is neutral and non-polar, with isoleucine, which is neutral and non-polar, at codon 610 of the EPG5 protein (p.Met610Ile). This variant is present in population databases (rs200214318, gnomAD 0.03%). This variant has not been reported in the literature in individuals affected with EPG5-related conditions. ClinVar contains an entry for this variant (Variation ID: 837275). Advanced modeling of protein sequence and biophysical properties (such as structural, functional, and spatial information, amino acid conservation, physicochemical variation, residue mobility, and thermodynamic stability) performed at Invitae indicates that this missense variant is not expected to disrupt EPG5 protein function. In summary, the available evidence is currently insufficient to determine the role of this variant in disease. Therefore, it has been classified as a Variant of Uncertain Significance.